The following is an entry in ClinVar:

ClinVar aggregate classification (germline): Benign. Review status: criteria provided, multiple submitters, no conflicts (2 of 4 stars). 8 submissions from 8 submitters: Benign (8). Last evaluated 2026-01-28.

Conditions:
Collagen 6-related myopathy. Identifiers: MedGen CN117976, MONDO:0100225.
Bethlem myopathy 1A. Also called: Bethlem myopathy 1; Bethlem Muscular Dystrophy; MYOPATHY, BENIGN CONGENITAL, WITH CONTRACTURES. Identifiers: Orphanet 610, MedGen CN029274, MONDO:0024530, OMIM 158810.

Allele frequency attached by ClinVar (database versions not stated): ExAC 0.01239; 1000 Genomes Project 0.01677; 1000 Genomes Project 30x 0.01843; ESP Exome Variant Server 0.02341; gnomAD exomes 0.00529 and 0.00209; TOPMed 0.02282; gnomAD 0.01999 and 0.02172.
gnomAD v4.1: 6,224 of 1,601,296 alleles (0.39%); highest among the groups gnomAD compares: African/African-American, 6.9%; 200 homozygotes.

Submissions (8):

Labcorp Genetics (formerly Invitae), Labcorp
Classification: Benign for Bethlem myopathy 1A. Last evaluated: 2026-01-28. Review status: criteria provided, single submitter. Criteria: Invitae Variant Classification Sherloc (09022015). Collection method: clinical testing. Allele origin: germline.

Athena Diagnostics
Classification: Benign. Last evaluated: 2024-08-29. Review status: criteria provided, single submitter. Criteria: Athena Diagnostics Criteria. Collection method: clinical testing. Allele origin: unknown.

Mayo Clinic Laboratories, Mayo Clinic
Classification: Benign. Last evaluated: 2019-04-24. Review status: criteria provided, single submitter. Criteria: ACMG Guidelines, 2015. Collection method: clinical testing. Allele origin: germline. Observed: 6 variant alleles.

Illumina Laboratory Services, Illumina
Classification: Benign for Collagen VI-related myopathy. Last evaluated: 2018-01-12. Review status: criteria provided, single submitter. Criteria: ICSL Variant Classification Criteria 13 December 2019. Collection method: clinical testing. Allele origin: germline.
Comment: This variant was observed in the ICSL laboratory as part of a predisposition screen in an ostensibly healthy population. It had not been previously curated by ICSL or reported in the Human Gene Mutation Database (HGMD: prior to June 1st, 2018), and was therefore a candidate for classification through an automated scoring system. Utilizing variant allele frequency, disease prevalence and penetrance estimates, and inheritance mode, an automated score was calculated to assess if this variant is too frequent to cause the disease. Based on the score and internal cut-off values, a variant classified as benign is not then subjected to further curation. The score for this variant resulted in a classification of benign for this disease.

GeneDx
Classification: Benign. Last evaluated: 2016-08-02. Review status: criteria provided, single submitter. Criteria: GeneDx Variant Classification (06012015). Collection method: clinical testing. Allele origin: germline. Affected: yes.
Comment: This variant is considered likely benign or benign based on one or more of the following criteria: it is a conservative change, it occurs at a poorly conserved position in the protein, it is predicted to be benign by multiple in silico algorithms, and/or has population frequency not consistent with disease.

Genetic Services Laboratory, University of Chicago
Classification: Benign for AllHighlyPenetrant. Last evaluated: 2013-08-15. Review status: criteria provided, single submitter. Criteria: ACMG Guidelines, 2007. Collection method: clinical testing. Allele origin: germline.

Eurofins Ntd Llc (ga)
Classification: Benign. Last evaluated: 2012-08-27. Review status: criteria provided, single submitter. Criteria: EGL Classification Definitions 2015. Collection method: clinical testing. Allele origin: germline. Observed: 1 variant allele, 1 heterozygote.

Breakthrough Genomics
Classification: Benign. Review status: criteria provided, single submitter. Criteria: ACMG Guidelines, 2015. Collection method: not provided. Allele origin: germline. Inheritance: Autosomal recessive inheritance. Affected: yes.

NM_001848.3(COL6A1):c.1314G>A (p.Thr438=)

Gene: COL6A1 (collagen type VI alpha 1 chain; plus strand). Cytogenetic location: 21q22.3.
Variant type: single nucleotide variant.
Coding change: c.1314G>A on transcript NM_001848.3 (MANE Select); coding-DNA position 1314, G replaced by A.
Protein change: p.Thr438=; no amino-acid change (threonine 438 retained).
Molecular consequence: synonymous variant.
Genome position (GRCh38, 1-based): chr21:45,992,789, G>A. VCF-style: chr21-45992789-G-A. GRCh37 (hg19) VCF-style: chr21-47412703-G-A.
Other names: p.Thr438=.
Identifiers: ClinVar variation 93809 (VCV000093809.25), dbSNP rs7279254, ClinGen allele CA147316.